The following is an entry in ClinVar:

ClinVar aggregate classification (germline): Likely pathogenic. Review status: reviewed by expert panel (3 of 4 stars). 2 submissions from 2 submitters: Likely pathogenic (1). 1 of the submissions does not count toward it. Last evaluated 2026-09-15.

Conditions:
Ornithine carbamoyltransferase deficiency (OTCD). Also called: Ornithine Carbamoyltransferase Deficiency Disease; ORNITHINE TRANSCARBAMYLASE DEFICIENCY; OTC DEFICIENCY; ORNITHINE TRANSCARBAMYLASE DEFICIENCY, HYPERAMMONEMIA DUE TO. Identifiers: Orphanet 664, MedGen C0268542, MONDO:0010703, OMIM 311250.

Allele frequency attached by ClinVar (database versions not stated): gnomAD exomes below 0.00001.
gnomAD v4.1: 1 of 1,202,509 alleles (0.000083%); highest among the groups gnomAD compares: Non-Finnish European, 0.00011%; no homozygotes.

Submissions (2):

Clingen Urea Cycle Disorders Variant Curation Expert Panel, ClinGen
Classification: Likely pathogenic for Ornithine carbamoyltransferase deficiency. Last evaluated: 2026-09-15. Review status: reviewed by expert panel. Criteria: ClinGen UreaCycles ACMG Specifications OTC V1.0. Collection method: curation. Allele origin: germline. Inheritance: X-linked inheritance.
Comment: The NM_000531.6:c.264A>T variant in OTC is a missense variant predicted to cause substitution of lysine by asparagine at amino acid 88 (p.Lys88Asn). OTC enzymatic activity in liver tissue was reduced (3% wildtype) which is highly specific for OTC deficiency (PP4_Moderate, PMID 8260194). This variant has been reported in 2 additional probands with biochemical and clinical evidence of OTC deficiency (PS4_Moderate; PMID: 8956038, 25573644). Another patient with this variant have been reported in the literature, but clinical and biochemical features were not reported (PMID: 25433810). The highest population minor allele frequency in gnomAD v4.1 (Grpmax FAF was not available for this variant) is 0.000001127 (1/887338 alleles) in European (non-Finnish) population, with 1 hemizygotes across all populations. This is lower than the ClinGen UCD VCEP threshold (<0.000015 AND ≤1 hemizygotes) for PM2_Supporting, meeting this criterion (PM2_Supporting). Growth assay in yeast showed >65% and <80% of wild-type OTC growth activity, indicating that this variant does not impact protein function (PMID: 37146589, BS3_Supporting). The computational predictor REVEL gives a score of 0.88, which is between 0.773 and 0.932, evidence that correlates with moderate impact to OTC function (PP3_Moderate), additionally SpliceAI delta score is 0.24 for a loss of the canonical acceptor, and 0.18 for loss of the canonical donor of this exon. In summary, this variant meets the criteria to be classified as Likely Pathogenic for X-linked ornithine carbamoyltransferase deficiency. Although there are both pathogenic and benign types of evidence for this variant, the pathogenic/benign evidence is not considered inconsistent with the final classification. ACMG/AMP criteria applied, as specified by the ClinGen Urea Cycle Disorders VCEP (OTC specifications version 1.0.0), 02/08/2025: PP4_Moderate (+2), PS4_Moderate (+2), PP3_Moderate (+2), PM2_Supporting (+1), BS3_Supporting (-1).

GenMed Metabolism Lab
Classification: Pathogenic. Review status: no assertion criteria provided. Collection method: not provided. Allele origin: unknown. Not counted in ClinVar's aggregate classification.
Comment: p.Lys88Asn, Late
ClinVar note: Converted during submission from pathogenic to Pathogenic.

NM_000531.6(OTC):c.264A>T (p.Lys88Asn)

Gene: OTC (ornithine transcarbamylase; plus strand). Cytogenetic location: Xp11.4.
Variant type: single nucleotide variant.
Coding change: c.264A>T on transcript NM_000531.6 (MANE Select); coding-DNA position 264, A replaced by T.
Protein change: p.Lys88Asn; replaces lysine 88 with asparagine.
Molecular consequence: missense variant.
Genome position (GRCh38, 1-based): chrX:38,369,843, A>T. VCF-style: chrX-38369843-A-T. GRCh37 (hg19) VCF-style: chrX-38229096-A-T.
Other names: NM_000531.6(OTC):c.264A>T; short protein forms K88N.
Identifiers: ClinVar variation 97145 (VCV000097145.3), dbSNP rs72554339, ClinGen allele CA224521.
Genomic context (GRCh38, chrX:38,369,843, plus strand): 5'-CCTTGATTTATAGTATTTGCCTTTATTGCAAGGGAAGTCCTTAGGCATGATTTTTGAGAA[A>T]AGAAGTACTCGAACAAGATTGTCTACAGAAACAGGTAAGTCCACTGCCAAATTCACACTT-3'
Protein context (NP_000522.3, residues 78-98): QGKSLGMIFE[Lys88Asn]RSTRTRLSTE